The following is an entry in ClinVar:

ClinVar aggregate classification (germline): Uncertain significance. Review status: criteria provided, multiple submitters, no conflicts (2 of 4 stars). 2 submissions from 2 submitters: Uncertain significance (2). Last evaluated 2026-01-04.

Conditions:
Fibrous dysplasia of jaw (CRBM). Also called: Cherubism. Identifiers: Orphanet 184, MedGen C0008029, MONDO:0007315, OMIM 118400.
Inborn genetic diseases. Identifiers: MedGen C0950123, MeSH D030342.

Allele frequency attached by ClinVar (database versions not stated): TOPMed 0.00004; ESP Exome Variant Server 0.00015; 1000 Genomes Project 30x 0.00016; 1000 Genomes Project 0.00020.
gnomAD v4.1: 64 of 1,452,318 alleles (0.0044%); highest among the groups gnomAD compares: Admixed American, 0.026%; no homozygotes.

Submissions (2):

Labcorp Genetics (formerly Invitae), Labcorp
Classification: Uncertain significance for Fibrous dysplasia of jaw. Last evaluated: 2026-01-04. Review status: criteria provided, single submitter. Criteria: Invitae Variant Classification Sherloc (09022015). Collection method: clinical testing. Allele origin: germline.
Comment: This sequence change replaces proline, which is neutral and non-polar, with leucine, which is neutral and non-polar, at codon 189 of the SH3BP2 protein (p.Pro189Leu). This variant is present in population databases (rs147001821, gnomAD 0.03%). This variant has not been reported in the literature in individuals affected with SH3BP2-related conditions. ClinVar contains an entry for this variant (Variation ID: 644539). Invitae Evidence Modeling of protein sequence and biophysical properties (such as structural, functional, and spatial information, amino acid conservation, physicochemical variation, residue mobility, and thermodynamic stability) indicates that this missense variant is not expected to disrupt SH3BP2 protein function with a negative predictive value of 80%. In summary, the available evidence is currently insufficient to determine the role of this variant in disease. Therefore, it has been classified as a Variant of Uncertain Significance.

Ambry Genetics
Classification: Uncertain significance for Inborn genetic diseases. Last evaluated: 2025-12-09. Review status: criteria provided, single submitter. Criteria: Ambry Variant Classification Scheme 2023. Collection method: clinical testing. Allele origin: germline.

NM_001122681.2(SH3BP2):c.566C>T (p.Pro189Leu)

Gene: SH3BP2 (SH3 domain binding protein 2; plus strand). Cytogenetic location: 4p16.3.
Variant type: single nucleotide variant.
Coding change: c.566C>T on transcript NM_001122681.2 (MANE Select); coding-DNA position 566, C replaced by T.
Protein change: p.Pro189Leu; replaces proline 189 with leucine.
Molecular consequence: missense variant.
Genome position (GRCh38, 1-based): chr4:2,827,654, C>T. VCF-style: chr4-2827654-C-T. GRCh37 (hg19) VCF-style: chr4-2829381-C-T.
Other names: c.650C>T, p.Pro217Leu (NM_001145855.2, LRG_1334t2); c.737C>T, p.Pro246Leu (NM_001145856.2); c.566C>T, p.Pro189Leu (NM_003023.4, LRG_1334t1); short protein forms P246L, P217L, P189L.
Identifiers: ClinVar variation 644539 (VCV000644539.8), dbSNP rs147001821, ClinGen allele CA2819241.